The following is an entry in ClinVar:

ClinVar aggregate classification (germline): Uncertain significance (1 of 4 stars; one submission).

Conditions:
Hereditary nonpolyposis colorectal neoplasms. Identifiers: MedGen C0009405, MeSH D003123.

Submission:

Labcorp Genetics (formerly Invitae), Labcorp
Classification: Uncertain significance for Hereditary nonpolyposis colorectal neoplasms. Last evaluated: 2022-09-13. Review status: criteria provided, single submitter. Criteria: Invitae Variant Classification Sherloc (09022015). Collection method: clinical testing. Allele origin: germline.
Comment: Advanced modeling of protein sequence and biophysical properties (such as structural, functional, and spatial information, amino acid conservation, physicochemical variation, residue mobility, and thermodynamic stability) performed at Invitae indicates that this missense variant is not expected to disrupt MSH6 protein function. In summary, the available evidence is currently insufficient to determine the role of this variant in disease. Therefore, it has been classified as a Variant of Uncertain Significance. ClinVar contains an entry for this variant (Variation ID: 1491791). This variant has not been reported in the literature in individuals affected with MSH6-related conditions. This variant is not present in population databases (gnomAD no frequency). This sequence change replaces lysine, which is basic and polar, with glutamine, which is neutral and polar, at codon 125 of the MSH6 protein (p.Lys125Gln).

NM_000179.3(MSH6):c.373A>C (p.Lys125Gln)

Gene: MSH6 (mutS homolog 6; plus strand). Cytogenetic location: 2p16.3.
Variant type: single nucleotide variant.
Coding change: c.373A>C on transcript NM_000179.3 (MANE Select); coding-DNA position 373, A replaced by C.
Protein change: p.Lys125Gln; replaces lysine 125 with glutamine.
Molecular consequence: missense variant. On other transcripts: 5 prime UTR variant (2), intron variant (1).
Genome position (GRCh38, 1-based): chr2:47,791,039, A>C. VCF-style: chr2-47791039-A-C. GRCh37 (hg19) VCF-style: chr2-48018178-A-C.
Other names: c.-364A>C (NM_001281493.2); c.-530A>C (NM_001281494.2); c.237+7569A>C (NM_001281492.2); short protein forms K125Q.
Identifiers: ClinVar variation 1491791 (VCV001491791.8), dbSNP rs372352774, ClinGen allele CA346737031.